The following is an entry in ClinVar:

ClinVar aggregate classification (germline): Uncertain significance (1 of 4 stars; one submission).

Conditions:
Hereditary cancer-predisposing syndrome. Also called: Neoplastic Syndromes, Hereditary; Tumor predisposition; Hereditary neoplastic syndrome; Hereditary Cancer Syndrome. Identifiers: Orphanet 140162, MedGen C0027672, MeSH D009386, MONDO:0015356.

Submission:

Ambry Genetics
Classification: Uncertain significance for Hereditary cancer-predisposing syndrome. Last evaluated: 2024-05-04. Review status: criteria provided, single submitter. Criteria: Ambry Variant Classification Scheme 2023. Collection method: clinical testing. Allele origin: germline.
Comment: The p.E456K variant (also known as c.1366G>A), located in coding exon 10 of the POT1 gene, results from a G to A substitution at nucleotide position 1366. The glutamic acid at codon 456 is replaced by lysine, an amino acid with similar properties. This amino acid position is conserved. In addition, the in silico prediction for this alteration is inconclusive. Based on the available evidence, the clinical significance of this variant remains unclear.

NM_015450.3(POT1):c.1366G>A (p.Glu456Lys)

Gene: POT1 (protection of telomeres 1; minus strand). Cytogenetic location: 7q31.33.
Variant type: single nucleotide variant.
Coding change: c.1366G>A on transcript NM_015450.3 (MANE Select); coding-DNA position 1366, G replaced by A.
Protein change: p.Glu456Lys; replaces glutamic acid 456 with lysine.
Molecular consequence: missense variant. On other transcripts: non-coding transcript variant (3).
Genome position (GRCh38, 1-based): chr7:124,840,976, C>T on the plus strand (G>A on the coding strand, the complement: POT1 is on the minus strand). VCF-style: chr7-124840976-C-T. GRCh37 (hg19) VCF-style: chr7-124481030-C-T.
Other names: c.973G>A, p.Glu325Lys (NM_001042594.2); short protein forms E325K, E456K.
Identifiers: ClinVar variation 3308965 (VCV003308965.1).
Genomic context (GRCh38, chr7:124,840,976, plus strand): 5'-ATTAGGAAAAATATGCAAAAGGAGTATTCTAACAAAACAGTGACTTAAATATCTTACCTT[C>T]TATCAAAAGTAGACATTCATTTGAAAGCGGGAGAATACCATTATTTTTCACAAAATGAAC-3'
Protein context (NP_056265.2, residues 446-466): PLSNECLLLI[Glu456Lys]GGTLSEICKL